The following is an entry in ClinVar:

NM_005321.3(H1-4):c.105G>T (p.Ala35=)

Gene: H1-4 (H1.4 linker histone, cluster member; plus strand). Cytogenetic location: 6p22.2.
Variant type: single nucleotide variant.
Coding change: c.105G>T on transcript NM_005321.3 (MANE Select); coding-DNA position 105, G replaced by T.
Protein change: p.Ala35=; no amino-acid change (alanine 35 retained).
Molecular consequence: synonymous variant.
Genome position (GRCh38, 1-based): chr6:26,156,495, G>T. VCF-style: chr6-26156495-G-T. GRCh37 (hg19) VCF-style: chr6-26156723-G-T.
Other names: c.105G>T (NM_005321.2).
Identifiers: ClinVar variation 2656300 (VCV002656300.25), dbSNP rs146982083, ClinGen allele CA3667900.

ClinVar aggregate classification (germline): Likely benign. Review status: criteria provided, single submitter (1 of 4 stars). 2 submissions from 2 submitters: Likely benign (1). 1 of the submissions does not count toward it. Last evaluated 2022-12-01.

Conditions:
H1-4-related disorder. Also called: H1-4-related condition.

Allele frequency attached by ClinVar (database versions not stated): 1000 Genomes Project 30x 0.00016.
gnomAD v4.1: 326 of 1,613,738 alleles (0.02%); highest among the groups gnomAD compares: Middle Eastern, 0.28%; 1 homozygote.

Submissions (2):

CeGaT Center for Human Genetics Tuebingen
Classification: Likely benign. Last evaluated: 2022-12-01. Review status: criteria provided, single submitter. Criteria: CeGaT Center For Human Genetics Tuebingen Variant Classification Criteria Version 2. Collection method: clinical testing. Allele origin: germline. Affected: yes. Observed: 1 variant allele.
Comment: H1-4: BP4, BP7

PreventionGenetics, part of Exact Sciences
Classification: Likely benign for H1-4-related condition. Last evaluated: 2022-02-09. Review status: no assertion criteria provided. Collection method: clinical testing. Allele origin: germline. Not counted in ClinVar's aggregate classification.
Comment: This variant is classified as likely benign based on ACMG/AMP sequence variant interpretation guidelines (Richards et al. 2015 PMID: 25741868, with internal and published modifications).